The following is an entry in ClinVar:

NM_006651.4(CPLX1):c.86A>C (p.Asp29Ala)

Genes: CPLX1 (complexin 1; minus strand), CPLX1-AS1 (CPLX1 antisense RNA 1; plus strand). Cytogenetic location: 4p16.3.
Variant type: single nucleotide variant.
Coding change: c.86A>C on transcript NM_006651.4 (MANE Select); coding-DNA position 86, A replaced by C.
Protein change: p.Asp29Ala; replaces aspartic acid 29 with alanine.
Molecular consequence: missense variant.
Genome position (GRCh38, 1-based): chr4:792,554, T>G on the plus strand (A>C on the coding strand, the complement: CPLX1 is on the minus strand). VCF-style: chr4-792554-T-G. GRCh37 (hg19) VCF-style: chr4-786342-T-G.
Other names: c.86A>C (NM_006651.3); short protein forms D29A.
Identifiers: ClinVar variation 2176565 (VCV002176565.6), dbSNP rs370561245, ClinGen allele CA2797001.

ClinVar aggregate classification (germline): Uncertain significance. Review status: criteria provided, multiple submitters, no conflicts (2 of 4 stars). 3 submissions from 3 submitters: Uncertain significance (3). Last evaluated 2025-12-02.

Conditions:
Inborn genetic diseases. Identifiers: MedGen C0950123, MeSH D030342.

Allele frequency attached by ClinVar (database versions not stated): TOPMed 0.00003; gnomAD 0.00005; ESP Exome Variant Server 0.00008.
gnomAD v4.1: 133 of 1,613,158 alleles (0.0082%); highest among the groups gnomAD compares: Non-Finnish European, 0.0099%; no homozygotes.

Submissions (3):

Ambry Genetics
Classification: Uncertain significance for Inborn genetic diseases. Last evaluated: 2025-12-02. Review status: criteria provided, single submitter. Criteria: Ambry Variant Classification Scheme 2023. Collection method: clinical testing. Allele origin: germline.

Labcorp Genetics (formerly Invitae), Labcorp
Classification: Uncertain significance. Last evaluated: 2024-10-24. Review status: criteria provided, single submitter. Criteria: Invitae Variant Classification Sherloc (09022015). Collection method: clinical testing. Allele origin: germline.
Comment: This sequence change replaces aspartic acid, which is acidic and polar, with alanine, which is neutral and non-polar, at codon 29 of the CPLX1 protein (p.Asp29Ala). This variant is present in population databases (rs370561245, gnomAD 0.004%). This variant has not been reported in the literature in individuals affected with CPLX1-related conditions. ClinVar contains an entry for this variant (Variation ID: 2176565). An algorithm developed to predict the effect of missense changes on protein structure and function (PolyPhen-2) suggests that this variant is likely to be disruptive. In summary, the available evidence is currently insufficient to determine the role of this variant in disease. Therefore, it has been classified as a Variant of Uncertain Significance.

Blueprint Genetics
Classification: Uncertain significance. Last evaluated: 2024-10-23. Review status: criteria provided, single submitter. Criteria: ACMG Guidelines, 2015. Collection method: clinical testing. Allele origin: germline.